The following is an entry in ClinVar:

NM_053025.4(MYLK):c.5368+9_5368+11del

Genes: MYLK-AS1 (MYLK antisense RNA 1; plus strand), MYLK (myosin light chain kinase; minus strand). Cytogenetic location: 3q21.1.
Variant type: Microsatellite.
Coding change: c.5368+9_5368+11del on transcript NM_053025.4 (MANE Select); bases 9 to 11 of the intron after coding-DNA position 5368, 3 bases deleted (GAG; older notation c.5368+9_5368+11delGAG).
Molecular consequence: intron variant.
Genome position (GRCh38, 1-based): chr3:123,620,196-123,620,198, CTC deleted on the plus strand (GAG on the coding strand, the reverse complement: MYLK is on the minus strand); deleting any 3 consecutive bases within chr3:123,620,196-123,620,203 gives the same sequence; the c. name uses the placement nearest the transcript's 3' end. VCF-style (leftmost placement, unchanged base first): chr3-123620195-ACTC-A. GRCh37 (hg19) VCF-style: chr3-123339042-ACTC-A.
Other names: c.5368+9_5368+11delGAG (NM_053025.4); c.4840+9_4840+11del (NM_001321309.2); c.5008+9_5008+11del (NM_053028.4); c.5161+9_5161+11del (NM_053026.4); c.5215+9_5215+11del (NM_053027.4); c.88+9_88+11del (NM_053031.4, NM_053032.4).
Identifiers: ClinVar variation 1147146 (VCV001147146.10), dbSNP rs753392124, ClinGen allele CA072847.
Genomic context (GRCh38, chr3:123,620,195, plus strand): 5'-AAAACCTCAAAATGCCCCTTTGTTCCCCAGCCCTTTCTTTCTCACCAGCTGGCTGGAGAA[ACTC>A]CTCCTTACCTTCAGATTCTAGTTTTTCTGCATTGAGCGGGCTGGTTGGTGACCCTGTTGA-3'

ClinVar aggregate classification (germline): Likely benign. Review status: criteria provided, multiple submitters, no conflicts (2 of 4 stars). 2 submissions from 2 submitters: Likely benign (2). Last evaluated 2025-01-14.

Conditions:
Aortic aneurysm, familial thoracic 7 (AAT7). Also called: AORTIC DISSECTION, FAMILIAL, WITH OR WITHOUT AORTIC ANEURYSM. Identifiers: MedGen C3151077, MONDO:0013418, OMIM 613780.

Submissions (2):

Labcorp Genetics (formerly Invitae), Labcorp
Classification: Likely benign for Aortic aneurysm, familial thoracic 7. Last evaluated: 2025-01-14. Review status: criteria provided, single submitter. Criteria: Invitae Variant Classification Sherloc (09022015). Collection method: clinical testing. Allele origin: germline.

Women's Health and Genetics/Laboratory Corporation of America, LabCorp
Classification: Likely benign. Last evaluated: 2024-12-20. Review status: criteria provided, single submitter. Criteria: LabCorp Variant Classification Summary - May 2015. Collection method: clinical testing. Allele origin: germline.
Comment: Variant summary: MYLK c.5368+9_5368+11delGAG alters a nucleotide located at a position not widely known to affect splicing. Consensus agreement among computation tools predict no significant impact on normal splicing. However, these predictions have yet to be confirmed by functional studies. The variant allele was found at a frequency of 2.8e-05 in 248838 control chromosomes. The available data on variant occurrences in the general population are insufficient to allow any conclusion about variant significance. To our knowledge, no occurrence of c.5368+9_5368+11delGAG in individuals affected with Aortopathy and no experimental evidence demonstrating its impact on protein function have been reported. ClinVar contains an entry for this variant (Variation ID: 1147146). Based on the evidence outlined above, the variant was classified as likely benign.